The following is an entry in ClinVar:

ClinVar aggregate classification (germline): Uncertain significance (1 of 4 stars; one submission).

Conditions:
Emery-Dreifuss muscular dystrophy 5, autosomal dominant (EDMD5). Also called: EMERY-DREIFUSS MUSCULAR DYSTROPHY 5. Identifiers: Orphanet 261, MedGen C2751805, MONDO:0013072, OMIM 612999.

Allele frequency attached by ClinVar (database versions not stated): gnomAD exomes below 0.00001.
gnomAD v4.1: 2 of 1,614,182 alleles (0.00012%); highest among the groups gnomAD compares: Non-Finnish European, 0.00017%; no homozygotes.

Submission:

Labcorp Genetics (formerly Invitae), Labcorp
Classification: Uncertain significance for Emery-Dreifuss muscular dystrophy 5, autosomal dominant. Last evaluated: 2021-10-07. Review status: criteria provided, single submitter. Criteria: Invitae Variant Classification Sherloc (09022015). Collection method: clinical testing. Allele origin: germline.
Comment: Algorithms developed to predict the effect of missense changes on protein structure and function are either unavailable or do not agree on the potential impact of this missense change (SIFT: "Tolerated"; PolyPhen-2: "Probably Damaging"; Align-GVGD: "Class C0"). This variant has not been reported in the literature in individuals affected with SYNE2-related conditions. This sequence change replaces aspartic acid with asparagine at codon 3728 of the SYNE2 protein (p.Asp3728Asn). The aspartic acid residue is moderately conserved and there is a small physicochemical difference between aspartic acid and asparagine. This variant is not present in population databases (ExAC no frequency). In summary, the available evidence is currently insufficient to determine the role of this variant in disease. Therefore, it has been classified as a Variant of Uncertain Significance.

NM_182914.3(SYNE2):c.11182G>A (p.Asp3728Asn)

Gene: SYNE2 (spectrin repeat containing nuclear envelope protein 2; plus strand). Cytogenetic location: 14q23.2.
Variant type: single nucleotide variant.
Coding change: c.11182G>A on transcript NM_182914.3 (MANE Select); coding-DNA position 11182, G replaced by A.
Protein change: p.Asp3728Asn; replaces aspartic acid 3728 with asparagine.
Molecular consequence: missense variant.
Genome position (GRCh38, 1-based): chr14:64,080,474, G>A. VCF-style: chr14-64080474-G-A. GRCh37 (hg19) VCF-style: chr14-64547192-G-A.
Other names: c.11182G>A, p.Asp3728Asn (NM_015180.6); short protein forms D3728N.
Identifiers: ClinVar variation 1412372 (VCV001412372.6), dbSNP rs2097511455, ClinGen allele CA389940634.
Genomic context (GRCh38, chr14:64,080,474, plus strand): 5'-ATGACCTCTTCATTCAAGTTGACTTACGATTTCCTTCTCCAGAAAATGTGGGACGAGTTA[G>A]ATCTATGGCATTCCAAACTAAATGAGCTGGATTCTGAAGTTCAGGACATTGTTGAACAGG-3'
Protein context (NP_878918.2, residues 3718-3738): EIQKKMWDEL[Asp3728Asn]LWHSKLNELD